The following is an entry in ClinVar:

ClinVar aggregate classification (germline): Uncertain significance (1 of 4 stars; one submission).

Allele frequency attached by ClinVar (database versions not stated): TOPMed below 0.00001; gnomAD exomes 0.00001.
gnomAD v4.1: 14 of 1,614,198 alleles (0.00087%); highest among the groups gnomAD compares: Non-Finnish European, 0.0012%; no homozygotes.

Submission:

Labcorp Genetics (formerly Invitae), Labcorp
Classification: Uncertain significance. Last evaluated: 2025-12-15. Review status: criteria provided, single submitter. Criteria: Invitae Variant Classification Sherloc (09022015). Collection method: clinical testing. Allele origin: germline.
Comment: This sequence change replaces methionine, which is neutral and non-polar, with valine, which is neutral and non-polar, at codon 907 of the DUOX2 protein (p.Met907Val). This variant is present in population databases (no rsID available, gnomAD 0.003%). This variant has not been reported in the literature in individuals affected with DUOX2-related conditions. ClinVar contains an entry for this variant (Variation ID: 2072833). Invitae Evidence Modeling of protein sequence and biophysical properties (such as structural, functional, and spatial information, amino acid conservation, physicochemical variation, residue mobility, and thermodynamic stability) indicates that this missense variant is not expected to disrupt DUOX2 protein function with a negative predictive value of 80%. In summary, the available evidence is currently insufficient to determine the role of this variant in disease. Therefore, it has been classified as a Variant of Uncertain Significance.

NM_001363711.2(DUOX2):c.2719A>G (p.Met907Val)

Gene: DUOX2 (dual oxidase 2; minus strand). Cytogenetic location: 15q21.1.
Variant type: single nucleotide variant.
Coding change: c.2719A>G on transcript NM_001363711.2 (MANE Select); coding-DNA position 2719, A replaced by G.
Protein change: p.Met907Val; replaces methionine 907 with valine.
Molecular consequence: missense variant.
Genome position (GRCh38, 1-based): chr15:45,101,925, T>C on the plus strand (A>G on the coding strand, the complement: DUOX2 is on the minus strand). VCF-style: chr15-45101925-T-C. GRCh37 (hg19) VCF-style: chr15-45394123-T-C.
Other names: c.2719A>G, p.Met907Val (NM_014080.5); short protein forms M907V.
Identifiers: ClinVar variation 2072833 (VCV002072833.3), dbSNP rs1484256311, ClinGen allele CA392267228.
Genomic context (GRCh38, chr15:45,101,925, plus strand): 5'-TGAAGTGAAAATCCTCCCATGTCAGCTCCTCCTTGTCCTGGAATCCCGACTCCCGGAACA[T>C]AGACTCCACCACCTCGGCCAGCTGGGCCTTGGACAGGCAGTTGTTGGAGATCTCGATGAA-3'
Protein context (NP_001350640.1, residues 897-917): KAQLAEVVES[Met907Val]FRESGFQDKE